The following is an entry in ClinVar:

NM_004208.4(AIFM1):c.556A>G (p.Asn186Asp)

Genes: AIFM1 (apoptosis inducing factor mitochondria associated 1; minus strand), RAB33A (RAB33A, member RAS oncogene family; plus strand). Cytogenetic location: Xq26.1.
Variant type: single nucleotide variant.
Coding change: c.556A>G on transcript NM_004208.4 (MANE Select); coding-DNA position 556, A replaced by G.
Protein change: p.Asn186Asp; replaces asparagine 186 with aspartic acid.
Molecular consequence: missense variant. On other transcripts: non-coding transcript variant (1).
Genome position (GRCh38, 1-based): chrX:130,147,542, T>C on the plus strand (A>G on the coding strand, the complement: AIFM1 is on the minus strand). VCF-style: chrX-130147542-T-C. GRCh37 (hg19) VCF-style: chrX-129281517-T-C.
Other names: c.556A>G, p.Asn186Asp (NM_001130847.4); c.544A>G, p.Asn182Asp (NM_145812.3); short protein forms N186D, N182D.
Identifiers: ClinVar variation 547098 (VCV000547098.55), dbSNP rs765298573, ClinGen allele CA10515438.

ClinVar aggregate classification (germline): Conflicting classifications of pathogenicity. Review status: criteria provided, conflicting classifications (1 of 4 stars). 4 submissions from 4 submitters: Uncertain significance (2); Likely benign (1). 1 of the submissions does not count toward it. Last evaluated 2024-12-04.

Conditions:
Tip-toe gait. Also called: Toe walking. Identifiers: MedGen C0427144, HP:0030051.
Combined oxidative phosphorylation deficiency. Identifiers: MedGen C4540031, MONDO:0000732.
Charcot-Marie-Tooth Neuropathy X. Identifiers: MedGen CN118851.

Allele frequency attached by ClinVar (database versions not stated): ExAC 0.00001; gnomAD exomes 0.00002 and 0.00004; TOPMed 0.00002.
gnomAD v4.1: 17 of 1,212,082 alleles (0.0014%); highest among the groups gnomAD compares: South Asian, 0.0053%; no homozygotes.

Submissions (4):

Women's Health and Genetics/Laboratory Corporation of America, LabCorp
Classification: Uncertain significance. Last evaluated: 2024-12-04. Review status: criteria provided, single submitter. Criteria: LabCorp Variant Classification Summary - May 2015. Collection method: clinical testing. Allele origin: germline.
Comment: Variant summary: AIFM1 c.556A>G (p.Asn186Asp) results in a conservative amino acid change in the encoded protein sequence. Five of five in-silico tools predict a benign effect of the variant on protein function. The variant allele was found at a frequency of 3.8e-05 in 183489 control chromosomes. The available data on variant occurrences in the general population are insufficient to allow any conclusion about variant significance. To our knowledge, no occurrence of c.556A>G in individuals affected with Charcot-Marie-Tooth disease X-linked recessive 4 and no experimental evidence demonstrating its impact on protein function have been reported. ClinVar contains an entry for this variant (Variation ID: 547098). Based on the evidence outlined above, the variant was classified as uncertain significance.

Labcorp Genetics (formerly Invitae), Labcorp
Classification: Likely benign for Charcot-Marie-Tooth Neuropathy X; Combined oxidative phosphorylation deficiency. Last evaluated: 2023-11-27. Review status: criteria provided, single submitter. Criteria: Invitae Variant Classification Sherloc (09022015). Collection method: clinical testing. Allele origin: germline.

CeGaT Center for Human Genetics Tuebingen
Classification: Uncertain significance. Last evaluated: 2018-02-01. Review status: criteria provided, single submitter. Criteria: CeGaT Center For Human Genetics Tuebingen Variant Classification Criteria Version 2. Collection method: clinical testing. Allele origin: germline. Affected: yes. Observed: 1 variant allele.

Practice for Gait Abnormalities, David Pomarino, Competency Network Toe Walking C/o Practice Pomarino
Classification: Likely pathogenic for Tip-toe gait. Last evaluated: 2021-09-08. Review status: no assertion criteria provided. Collection method: clinical testing. Allele origin: germline. Affected: yes. Not counted in ClinVar's aggregate classification.
Comment: Hereditary motor sensory neuropathy (HMSN), also known as Charcot-Marie-Tooth Disease (CMT), is the most commonly inherited peripheral polyneuropathy. It constitutes a group of inherited, progressive, motor and sensory peripheral nerve disorders with properties of demyelination, axonal degeneration, or both. It is classified by clinical characteristics, modes of inheritance, electrophysiologic features, metabolic defects, and specific gene markers. Our patients all walk on tiptoe, so they show similar symptoms. When we genetically test them with our toe walking panel, we find that around 90 per cent of them have a genetic variant that explains their toe walking. These can be assigned, for example, to the area of myopathies (such as variants of the COL6A3 gene), the area of hereditary neuropathies (such as variants of the KMT2C gene) or the area of metabolic diseases (such as variants of the PYGM gene). In a smaller group of patients with almost identical symptoms, no abnormality is found in the genes of our panel, but spastic paraplegia can be detected. In another small group of our toe walkers, no abnormalities can be detected in the genes analysed in our toe walking panel, nor do they suffer from spastic paraplegia, as is also the case with healthy children. In contrast to these, however, they show a tiptoe gait. These patients suffer from infantile cerebral palsy, in which toe walking can also be observed.

Literature cited by the submitters: PubMed 37091313 (cited by Practice for Gait Abnormalities, David Pomarino, Competency Network Toe Walking C/o Practice Pomarino).